The following is an entry in ClinVar:

ClinVar aggregate classification (germline): Uncertain significance (1 of 4 stars; one submission).

Submission:

Labcorp Genetics (formerly Invitae), Labcorp
Classification: Uncertain significance. Last evaluated: 2024-10-30. Review status: criteria provided, single submitter. Criteria: Invitae Variant Classification Sherloc (09022015). Collection method: clinical testing. Allele origin: germline.
Comment: This sequence change replaces serine, which is neutral and polar, with tyrosine, which is neutral and polar, at codon 266 of the BTRC protein (p.Ser266Tyr). This variant is not present in population databases (gnomAD no frequency). This variant has not been reported in the literature in individuals affected with BTRC-related conditions. An algorithm developed to predict the effect of missense changes on protein structure and function (PolyPhen-2) suggests that this variant is likely to be tolerated. In summary, the available evidence is currently insufficient to determine the role of this variant in disease. Therefore, it has been classified as a Variant of Uncertain Significance.

NM_033637.4(BTRC):c.797C>A (p.Ser266Tyr)

Gene: BTRC (beta-transducin repeat containing E3 ubiquitin protein ligase; plus strand). Cytogenetic location: 10q24.32.
Variant type: single nucleotide variant.
Coding change: c.797C>A on transcript NM_033637.4 (MANE Select); coding-DNA position 797, C replaced by A.
Protein change: p.Ser266Tyr; replaces serine 266 with tyrosine.
Molecular consequence: missense variant.
Genome position (GRCh38, 1-based): chr10:101,531,290, C>A. VCF-style: chr10-101531290-C-A. GRCh37 (hg19) VCF-style: chr10-103291047-C-A.
Other names: c.719C>A, p.Ser240Tyr (NM_001256856.2); c.689C>A, p.Ser230Tyr (NM_003939.5); short protein forms S230Y, S240Y, S266Y.
Identifiers: ClinVar variation 3607722 (VCV003607722.2).